The following is an entry in ClinVar:

NM_030962.4(SBF2):c.3351C>G (p.Asp1117Glu)

Genes: SBF2 (SET binding factor 2; minus strand), LOC101928008 (uncharacterized LOC101928008; plus strand). Cytogenetic location: 11p15.4.
Variant type: single nucleotide variant.
Coding change: c.3351C>G on transcript NM_030962.4 (MANE Select); coding-DNA position 3351, C replaced by G.
Protein change: p.Asp1117Glu; replaces aspartic acid 1117 with glutamic acid.
Molecular consequence: missense variant.
Genome position (GRCh38, 1-based): chr11:9,839,602, G>C on the plus strand (C>G on the coding strand, the complement: SBF2 is on the minus strand). VCF-style: chr11-9839602-G-C. GRCh37 (hg19) VCF-style: chr11-9861149-G-C.
Other names: c.3351C>G, p.Asp1117Glu (NM_001386339.1); c.3222C>G, p.Asp1074Glu (NM_001386342.1); c.3387C>G, p.Asp1129Glu (NM_001424318.1, NM_001425069.1, NM_001425070.1); short protein forms D1074E, D1129E, D1117E.
Identifiers: ClinVar variation 4707190 (VCV004707190.1).

ClinVar aggregate classification (germline): Uncertain significance (1 of 4 stars; one submission).

Conditions:
Charcot-Marie-Tooth disease type 4. Also called: Charcot-Marie-Tooth, Type 4; Charcot-Marie-Tooth disease, type IV. Identifiers: Orphanet 64749, MedGen C4082197, MONDO:0018995.

Submission:

Labcorp Genetics (formerly Invitae), Labcorp
Classification: Uncertain significance for Charcot-Marie-Tooth disease type 4. Last evaluated: 2026-01-28. Review status: criteria provided, single submitter. Criteria: Invitae Variant Classification Sherloc (09022015). Collection method: clinical testing. Allele origin: germline.
Comment: This sequence change replaces aspartic acid, which is acidic and polar, with glutamic acid, which is acidic and polar, at codon 1117 of the SBF2 protein (p.Asp1117Glu). This variant is not present in population databases (gnomAD no frequency). This variant has not been reported in the literature in individuals affected with SBF2-related conditions. Invitae Evidence Modeling of protein sequence and biophysical properties (such as structural, functional, and spatial information, amino acid conservation, physicochemical variation, residue mobility, and thermodynamic stability) indicates that this missense variant is expected to disrupt SBF2 protein function with a positive predictive value of 80%. In summary, the available evidence is currently insufficient to determine the role of this variant in disease. Therefore, it has been classified as a Variant of Uncertain Significance.